The following is an entry in ClinVar:

ClinVar aggregate classification (germline): Uncertain significance (1 of 4 stars; one submission).

Submission:

Labcorp Genetics (formerly Invitae), Labcorp
Classification: Uncertain significance. Last evaluated: 2020-11-21. Review status: criteria provided, single submitter. Criteria: Invitae Variant Classification Sherloc (09022015). Collection method: clinical testing. Allele origin: germline.
Comment: In summary, the available evidence is currently insufficient to determine the role of this variant in disease. Therefore, it has been classified as a Variant of Uncertain Significance. Experimental studies and prediction algorithms are not available or were not evaluated, and the functional significance of this variant is currently unknown. This variant has not been reported in the literature in individuals with RNU4ATAC-related conditions. The frequency data for this variant in the population databases is considered unreliable, as metrics indicate insufficient coverage at this position in the ExAC database. This variant occurs in the RNU4ATAC gene, which encodes an RNA molecule that does not result in a protein product.

NC_000002.12:g.121530948_121530949insC

Genes: CLASP1 (cytoplasmic linker associated protein 1; minus strand), CLASP1-AS1 (CLASP1 antisense RNA 1; plus strand), RNU4ATAC (RNA, U4atac small nuclear; plus strand). Cytogenetic location: 2q14.2.
Variant type: Insertion.
Molecular consequence: intron variant (on NM_001395891.1).
Genome position: GRCh38 VCF-style: chr2-121530948-T-TC. GRCh37 (hg19) VCF-style: chr2-122288524-T-TC.
Other names: c.196-624_196-623insG (NM_001142274.2, NM_015282.3, NM_001378003.1 and 5 more transcripts).
Identifiers: ClinVar variation 1350031 (VCV001350031.6), dbSNP rs1355984470, ClinGen allele CA2573133151.
Genomic context (GRCh38, chr2:121,530,948, plus strand): 5'-TTTTCTTGGGGTTGCGCTACTGTCCAATGAGCGCATAGTGAGGGCAGTACTGCTAACGCC[T>TC]GAACAACACACCCGCATCAACTAGAGCTTTTGCTTTATTTTGGTGCAATTTTTGGAAAAA-3'